The following is an entry in ClinVar:

NM_177438.3(DICER1):c.996C>A (p.Tyr332Ter)

Gene: DICER1 (dicer 1, ribonuclease III; minus strand). Cytogenetic location: 14q32.13.
Variant type: single nucleotide variant.
Coding change: c.996C>A on transcript NM_177438.3 (MANE Select); coding-DNA position 996, C replaced by A.
Protein change: p.Tyr332Ter; replaces tyrosine 332 with a stop codon.
Molecular consequence: nonsense.
Genome position (GRCh38, 1-based): chr14:95,124,576, G>T on the plus strand (C>A on the coding strand, the complement: DICER1 is on the minus strand). VCF-style: chr14-95124576-G-T. GRCh37 (hg19) VCF-style: chr14-95590913-G-T.
Other names: c.996C>A, p.Tyr332Ter (NM_001195573.1, NM_001271282.3, NM_001291628.2 and 1 more transcripts); short protein forms Y332*.
Identifiers: ClinVar variation 254356 (VCV000254356.6), dbSNP rs757094384, ClinGen allele CA10586463.

ClinVar aggregate classification (germline): Pathogenic. Review status: criteria provided, multiple submitters, no conflicts (2 of 4 stars). 3 submissions from 3 submitters: Pathogenic (3). Last evaluated 2024-04-20.

Conditions:
Hereditary cancer-predisposing syndrome. Also called: Tumor predisposition; Hereditary Cancer Syndrome; Neoplastic Syndromes, Hereditary; Hereditary neoplastic syndrome. Identifiers: Orphanet 140162, MedGen C0027672, MeSH D009386, MONDO:0015356.
DICER1-related tumor predisposition. Also called: DICER1 syndrome; DICER1-related pleuropulmonary blastoma cancer predisposition syndrome. Identifiers: Orphanet 284343, MedGen C3839822, MONDO:0100216.

Submissions (3):

Ambry Genetics
Classification: Pathogenic for Hereditary cancer-predisposing syndrome. Last evaluated: 2024-04-20. Review status: criteria provided, single submitter. Criteria: Ambry Variant Classification Scheme 2023. Collection method: clinical testing. Allele origin: germline.
Comment: The p.Y332* pathogenic mutation (also known as c.996C>A), located in coding exon 7 of the DICER1 gene, results from a C to A substitution at nucleotide position 996. This changes the amino acid from a tyrosine to a stop codon within coding exon 7. This variant has been observed in at least one individual with a personal and/or family history that is consistent with DICER1-related tumor predisposition syndrome (Ambry internal data). This alteration is expected to result in loss of function by premature protein truncation or nonsense-mediated mRNA decay. As such, this alteration is interpreted as a disease-causing mutation.

Labcorp Genetics (formerly Invitae), Labcorp
Classification: Pathogenic for DICER1-related tumor predisposition. Last evaluated: 2023-03-26. Review status: criteria provided, single submitter. Criteria: Invitae Variant Classification Sherloc (09022015). Collection method: clinical testing. Allele origin: germline.
Comment: For these reasons, this variant has been classified as Pathogenic. ClinVar contains an entry for this variant (Variation ID: 254356). This variant has not been reported in the literature in individuals affected with DICER1-related conditions. This variant is not present in population databases (gnomAD no frequency). This sequence change creates a premature translational stop signal (p.Tyr332*) in the DICER1 gene. It is expected to result in an absent or disrupted protein product. Loss-of-function variants in DICER1 are known to be pathogenic (PMID: 19556464, 21266384).

International Pleuropulmonary Blastoma Registry, Children's Hospitals and Clinics of Minnesota
Classification: Pathogenic for Pleuropulmonary blastoma. Last evaluated: 2014-11-10. Review status: criteria provided, single submitter. Criteria: Hill et al. (Science. 2009). Collection method: clinical testing. Allele origin: somatic. Affected: yes. Study: PPB-DICER1 Genetic study.

Literature cited by the submitters: PubMed 19556464 (cited by Labcorp Genetics (formerly Invitae), Labcorp); PubMed 21266384 (cited by Labcorp Genetics (formerly Invitae), Labcorp); PubMed 26925222 (cited by International Pleuropulmonary Blastoma Registry, Children's Hospitals and Clinics of Minnesota).